The following is an entry in ClinVar:

ClinVar aggregate classification (germline): Uncertain significance. Review status: criteria provided, multiple submitters, no conflicts (2 of 4 stars). 4 submissions from 4 submitters: Uncertain significance (4). Last evaluated 2026-04-01.

Conditions:
Hemolytic uremic syndrome, atypical, susceptibility to, 1. Also called: AHUS, SUSCEPTIBILITY TO, 1. Identifiers: Orphanet 2134, Orphanet 90038, MedGen C2749604, MONDO:0009335, OMIM 235400. Disease mechanism: Other.
Age related macular degeneration 1 (ARMD1). Also called: MACULOPATHY, AGE-RELATED, 1. Identifiers: MedGen C1864205, MONDO:0011285, OMIM 603075.
Primary ciliary dyskinesia. Also called: Ciliary dyskinesia. Identifiers: Orphanet 244, MedGen C0008780, MONDO:0016575, HP:0012265.

Submissions (4):

Department of Human Genetics, Hannover Medical School
Classification: Uncertain significance for Primary Ciliary Dyskinesia. Last evaluated: 2026-04-01. Review status: criteria provided, single submitter. Criteria: ACMG Guidelines, 2015. Collection method: research. Allele origin: germline. Affected: no.
Comment: Classification performed by HerediClassify using the following criteria:['PVS1_protein_strong: Transcript ENST00000367425 is not predicted to undergo NMD. Protein length change of 0.13636363636363635 observed.']

Mayo Clinic Laboratories, Mayo Clinic
Classification: Uncertain significance. Last evaluated: 2025-10-14. Review status: criteria provided, single submitter. Criteria: ACMG Guidelines, 2015. Collection method: clinical testing. Allele origin: germline. Observed: 28 variant alleles.

Fulgent Genetics
Classification: Uncertain significance for Hemolytic uremic syndrome, atypical, susceptibility to, 1; Age related macular degeneration 1. Last evaluated: 2024-04-15. Review status: criteria provided, single submitter. Criteria: ACMG Guidelines, 2015. Collection method: clinical testing. Allele origin: germline.

Women's Health and Genetics/Laboratory Corporation of America, LabCorp
Classification: Uncertain significance. Last evaluated: 2024-02-19. Review status: criteria provided, single submitter. Criteria: LabCorp Variant Classification Summary - May 2015. Collection method: clinical testing. Allele origin: germline.
Comment: Variant summary: CFHR3 c.839_840delTA (p.Ile280LysfsX7) results in a premature termination codon in the last exon of the CFHR3 gene, predicted to cause a truncation of the encoded protein. However, the molecular mechanism of disease attributed to CFHR3 is gain-of-function. The variant allele was found at a frequency of 0.0016 in 1519668 control chromosomes in the gnomAD database, including 368 homozygotes. The observed variant frequency is approximately 10-fold of the estimated maximal expected allele frequency for a pathogenic variant in CFHR3 causing Genetic Atypical Hemolytic Uremic Syndrome phenotype (0.00016), strongly suggesting that the variant is benign. c.839_840delTA has been reported in the literature in individuals affected with Genetic Atypical Hemolytic Uremic Syndrome or transplant-associated thrombotic microangiopathy (e.g. Abarrategui-Garrido_2009, Jodele_2020, Haydock_2022). These reports do not provide unequivocal conclusions about association of the variant with Genetic Atypical Hemolytic Uremic Syndrome. To our knowledge, no experimental evidence demonstrating an impact on protein function has been reported. ClinVar contains an entry for this variant (Variation ID: 1163768). Based on the evidence outlined above, the variant was classified as uncertain significance.

Literature cited by the submitters: PubMed 19745068 (cited by Mayo Clinic Laboratories, Mayo Clinic and Women's Health and Genetics/Laboratory Corporation of America, LabCorp); PubMed 29924949 (cited by Mayo Clinic Laboratories, Mayo Clinic); PubMed 31932840 (cited by Mayo Clinic Laboratories, Mayo Clinic and Women's Health and Genetics/Laboratory Corporation of America, LabCorp); PubMed 34796567 (cited by Mayo Clinic Laboratories, Mayo Clinic); PubMed 37466676 (cited by Mayo Clinic Laboratories, Mayo Clinic); PubMed 34714369 (cited by Women's Health and Genetics/Laboratory Corporation of America, LabCorp).

NM_021023.6(CFHR3):c.839_840del (p.Ile280fs)

Gene: CFHR3 (complement factor H related 3; plus strand). Cytogenetic location: 1q31.3.
Variant type: Deletion.
Coding change: c.839_840del on transcript NM_021023.6 (MANE Select); coding-DNA positions 839 to 840, 2 bases deleted (TA; older notation c.839_840delTA).
Protein change: p.Ile280fs; shifts the reading frame from isoleucine 280.
Molecular consequence: frameshift variant.
Genome position (GRCh38, 1-based): chr1:196,793,359-196,793,360, TA deleted; deleting any 2 consecutive bases within chr1:196,793,358-196,793,360 gives the same sequence; the c. name uses the placement nearest the transcript's 3' end. VCF-style (leftmost placement, unchanged base first): chr1-196793357-CAT-C. GRCh37 (hg19) VCF-style: chr1-196762487-CAT-C.
Other names: p.Ile280Lysfs*7; c.656_657del, p.Ile219fs (NM_001166624.2); c.839_840delTA (NM_021023.6); c.839_840del (NM_021023.5); short protein forms I219fs, I280fs.
Identifiers: ClinVar variation 1163768 (VCV001163768.15), dbSNP rs781400776, ClinGen allele CA1306301.